The following is an entry in ClinVar:

NM_138576.4(BCL11B):c.2128C>A (p.Gln710Lys)

Gene: BCL11B (BCL11 transcription factor B; minus strand). Cytogenetic location: 14q32.2.
Variant type: single nucleotide variant.
Coding change: c.2128C>A on transcript NM_138576.4 (MANE Select); coding-DNA position 2128, C replaced by A.
Protein change: p.Gln710Lys; replaces glutamine 710 with lysine.
Molecular consequence: missense variant.
Genome position (GRCh38, 1-based): chr14:99,174,708, G>T on the plus strand (C>A on the coding strand, the complement: BCL11B is on the minus strand). VCF-style: chr14-99174708-G-T. GRCh37 (hg19) VCF-style: chr14-99641045-G-T.
Other names: c.2125C>A, p.Gln709Lys (NM_001282237.2); c.1912C>A, p.Gln638Lys (NM_001282238.2); c.1915C>A, p.Gln639Lys (NM_022898.3); short protein forms Q638K, Q639K, Q709K, Q710K.
Identifiers: ClinVar variation 4685057 (VCV004685057.1).

ClinVar aggregate classification (germline): Uncertain significance (1 of 4 stars; one submission).

Submission:

GeneDx
Classification: Uncertain significance. Last evaluated: 2025-07-11. Review status: criteria provided, single submitter. Criteria: GeneDx Variant Classification Process June 2021. Collection method: clinical testing. Allele origin: germline. Affected: yes.
Comment: Not observed at significant frequency in large population cohorts (gnomAD); In silico analysis supports that this missense variant has a deleterious effect on protein structure/function; Has not been previously published as pathogenic or benign to our knowledge